The following is an entry in ClinVar:

ClinVar aggregate classification (germline): Pathogenic/Likely pathogenic. Review status: criteria provided, multiple submitters, no conflicts (2 of 4 stars). 18 submissions from 18 submitters: Pathogenic (12); Likely pathogenic (2). 4 of the submissions do not count toward it. Last evaluated 2025-12-15.

Conditions:
Dilated cardiomyopathy 1G (CMD1G). Identifiers: Orphanet 154, MedGen C1858763, MONDO:0011400, OMIM 604145.
Autosomal recessive limb-girdle muscular dystrophy type 2J (LGMDR10). Also called: MUSCULAR DYSTROPHY, LIMB-GIRDLE, AUTOSOMAL RECESSIVE 10; Limb-girdle muscular dystrophy, type 2J. Identifiers: Orphanet 140922, MedGen C1837342, MONDO:0012127, OMIM 608807.
Cardiovascular phenotype. Identifiers: MedGen CN230736.
TTN-related disorder. Also called: TTN-related disorders; TTN-related condition; TTN-related disease.
Primary familial dilated cardiomyopathy (FDC). Also called: Hypokinetic dilated cardiomyopathy, familial; Familial dilated cardiomyopathy. Identifiers: Orphanet 217607, MedGen C0340427, MONDO:0016333.
Early-onset myopathy with fatal cardiomyopathy (CMYO5). Also called: CONGENITAL MYOPATHY 5 WITH CARDIOMYOPATHY; Salih Myopathy. Identifiers: Orphanet 289377, MedGen C2673677, MONDO:0012714, OMIM 611705. Disease mechanism: loss of function.
Hypertrophic cardiomyopathy 9. Also called: Familial hypertrophic cardiomyopathy 9. Identifiers: MedGen C1861065, MONDO:0013412, OMIM 613765.
Tibial muscular dystrophy (TMD). Also called: Udd Distal Myopathy – Tibial Muscular Dystrophy; Tibial muscular dystrophy, tardive; UDD MYOPATHY. Identifiers: Orphanet 609, MedGen C1838244, MONDO:0010870, OMIM 600334.
Myopathy, myofibrillar, 9, with early respiratory failure (MFM9). Also called: Myopathy, distal, with early respiratory failure, autosomal dominant; Hereditary myopathy with early respiratory failure; MYOPATHY, PROXIMAL, WITH EARLY RESPIRATORY MUSCLE INVOLVEMENT; EDSTROM MYOPATHY. Identifiers: Orphanet 178464, Orphanet 34521, MedGen C1863599, MONDO:0011362, OMIM 603689.
Cardiomyopathy (CMYO). Also called: Cardiomyopathies. Identifiers: Orphanet 167848, MedGen C0878544, MONDO:0004994, HP:0001638. Inheritance: Various modes of inheritance.
Primary dilated cardiomyopathy (DCM). Also called: Dilated Cardiomyopathy. Identifiers: Orphanet 217604, MedGen C0007193, MeSH D002311, MONDO:0005021, HP:0001644. Inheritance: Various modes of inheritance.

Allele frequency attached by ClinVar (database versions not stated): gnomAD exomes below 0.00001.
gnomAD v4.1: 6 of 1,613,536 alleles (0.00037%); highest among the groups gnomAD compares: African/African-American, 0.0013%; no homozygotes.

Submissions 1 to 6 of 18:

PreventionGenetics, part of Exact Sciences
Classification: Pathogenic for TTN-related condition. Last evaluated: 2025-12-15. Review status: criteria provided, single submitter. Criteria: ACMG Guidelines, 2015. Collection method: clinical testing. Allele origin: germline.
Comment: The TTN c.71602C>T variant is predicted to result in premature protein termination (p.Arg23868*). This variant has been reported in numerous individuals with cardiomyopathies (see, for example: Supp. Table 2, Jansen et al. 2019. PubMed ID: 31112426; Table S2, Goli. 2021. PubMed ID: 33874732; Table IV, Bourfiss. 2022. PubMed ID: 36264615; Table S1, Ware. 2016. PubMed ID: 26735901). This variant is located in the A-band region of the protein in which truncating TTN variants have been found more frequently in dilated cardiomyopathy patients than in controls (Herman et al. 2012. PubMed ID: 22335739). RNAseq studies from heart tissue indicate this exon is commonly included in TTN mRNA transcripts (PSI of 100%, Roberts et al. 2015. PubMed ID: 25589632). TTN loss-of-function variants occurring in constitutively expressed exons (PSI > 90%) are more likely to be disease causing for TTN cardiac-related disorders regardless of band location (Roberts et al. 2015. PubMed ID: 25589632; Schafer et al. 2017. PubMed ID: 27869827; Akhtar et al. 2020. PubMed ID: 32964742). Many cases of recessive TTN-related myopathies in which the individual is compound heterozygous for two loss-of-function variants in TTN have also been reported (Ge et al. 2019. PubMed ID: 31053406; Oates et al. 2018. PubMed ID: 29691892; Rees et al. 2021. PubMed ID: 33449170). In summary, this variant is categorized as pathogenic. Of note, this variant is considered pathogenic for increased risk of TTN- related cardiac disorders, and also for autosomal recessive TTN-related congenital titinopathies.

Labcorp Genetics (formerly Invitae), Labcorp
Classification: Pathogenic for Dilated cardiomyopathy 1G; Autosomal recessive limb-girdle muscular dystrophy type 2J. Last evaluated: 2025-09-20. Review status: criteria provided, single submitter. Criteria: Invitae Variant Classification Sherloc (09022015). Collection method: clinical testing. Allele origin: germline.
Comment: This sequence change creates a premature translational stop signal (p.Arg23868*) in the TTN gene. While this is not anticipated to result in nonsense mediated decay, it is expected to create a truncated TTN protein. This variant is present in population databases (rs397517689, gnomAD 0.0009%). This premature translational stop signal has been observed in individuals with dilated cardiomyopathy and/or peripartum cardiomyopathy (PMID: 26735901, 28416588; internal data). This variant is also known as chr2:179439257G>A and c.44407C>T (p.Arg14803*). ClinVar contains an entry for this variant (Variation ID: 47301). This variant is located in the A band of TTN (PMID: 25589632). Truncating variants in this region are significantly overrepresented in patients affected with dilated cardiomyopathy (PMID: 25589632). Truncating variants in this region have also been reported in individuals affected with autosomal recessive centronuclear myopathy (PMID: 23975875). For these reasons, this variant has been classified as Pathogenic.

Clinical Genetics Laboratory, Skane University Hospital Lund
Classification: Pathogenic for Primary dilated cardiomyopathy. Last evaluated: 2024-12-02. Review status: criteria provided, single submitter. Criteria: ACMG Guidelines, 2015. Collection method: clinical testing. Allele origin: germline. Inheritance: Autosomal dominant inheritance. Affected: yes.

Blueprint Genetics
Classification: Pathogenic for TTN-related disorders. Last evaluated: 2024-10-25. Review status: criteria provided, single submitter. Criteria: ACMG Guidelines, 2015. Collection method: clinical testing. Allele origin: germline. Affected: yes. Observed: 5 variant alleles.

New York Genome Center
Classification: Pathogenic for Hypertrophic cardiomyopathy 9; Dilated cardiomyopathy 1G. Last evaluated: 2023-08-03. Review status: criteria provided, single submitter. Criteria: NYGC Assertion Criteria 2020. Collection method: clinical testing. Allele origin: germline. Affected: yes. Observed: 1 heterozygote.
Comment: The c.71602C>T p.(Arg23868Ter) stop-gain variant identified in the TTN gene has been previously reported in individuals with titinopathies [PMID: 31514951, 26735901, 28416588, 29447731], and has been deposited in ClinVar as Pathogenic/Likely Pathogenic by multiple laboratories [ClinVar ID: 47301]. The c.71602C>T variant is present as a single heterozygous allele in population databases (gnomAD v2.1.1 and v3.1.2, TOPMed Freeze 8), suggesting it is not a common benign variant in the populations represented in those databases. The c.71602C>T variant is located in exon 326 (A band) of this 363-exon gene, is predicted to incorporate a premature translation termination codon [p.(Arg23868Ter)], and is expected to result in loss-of-function through protein truncation or nonsense mediated mRNA decay. Truncating variants in this region are significantly overrepresented in patients affected with dilated cardiomyopathy [PMID: 25589632]. Based on available evidence, this c.71602C>T p.(Arg23868Ter) variant identified in TTN is classified as Pathogenic.

3billion
Classification: Pathogenic for Dilated cardiomyopathy 1G. Last evaluated: 2023-02-23. Review status: criteria provided, single submitter. Criteria: ACMG Guidelines, 2015. Collection method: clinical testing. Allele origin: unknown. Affected: yes.
Comment: The variant is observed at an extremely low frequency in the gnomAD v2.1.1 dataset (total allele frequency: <0.001%). This variant was predicted to result in a loss or disruption of normal protein function through nonsense-mediated decay (NMD) or protein truncation. Multiple pathogenic variants are reported downstream of the variant. The variant has been reported at least twice as pathogenic with clinical assertions and evidence for the classification (ClinVar ID: VCV000047301 / PMID: 26735901). Therefore, this variant is classified as Pathogenic according to the recommendation of ACMG/AMP guideline.

NM_001267550.2(TTN):c.71602C>T (p.Arg23868Ter)

Genes: TTN (titin; minus strand), TTN-AS1 (TTN antisense RNA 1; plus strand). Cytogenetic location: 2q31.2.
Variant type: single nucleotide variant.
Coding change: c.71602C>T on transcript NM_001267550.2 (MANE Select); coding-DNA position 71602, C replaced by T.
Protein change: p.Arg23868Ter; replaces arginine 23868 with a stop codon.
Molecular consequence: nonsense.
Genome position (GRCh38, 1-based): chr2:178,574,530, G>A on the plus strand (C>T on the coding strand, the complement: TTN is on the minus strand). VCF-style: chr2-178574530-G-A. GRCh37 (hg19) VCF-style: chr2-179439257-G-A.
Other names: p.R22227*:CGA>TGA; c.66679C>T, p.Arg22227Ter (NM_001256850.1); c.44407C>T, p.Arg14803Ter (NM_003319.4); c.63898C>T, p.Arg21300Ter (NM_133378.4); c.44782C>T, p.Arg14928Ter (NM_133432.3); c.44983C>T, p.Arg14995Ter (NM_133437.4); short protein forms R23868*, R21300*, R22227*, R14803*, R14995*, R14928*.
Identifiers: ClinVar variation 47301 (VCV000047301.87), dbSNP rs397517689, ClinGen allele CA261901.